The following is an entry in ClinVar:

ClinVar aggregate classification (germline): Uncertain significance (1 of 4 stars; one submission).

Conditions:
Nephronophthisis. Also called: Juvenile Nephronophthisis. Identifiers: Orphanet 655, MedGen C0687120, MONDO:0019005, HP:0000090.

Allele frequency attached by ClinVar (database versions not stated): gnomAD exomes below 0.00001; ExAC 0.00001; TOPMed 0.00001.
gnomAD v4.1: 2 of 1,613,648 alleles (0.00012%); highest among the groups gnomAD compares: Admixed American, 0.0033%; no homozygotes.

Submission:

Labcorp Genetics (formerly Invitae), Labcorp
Classification: Uncertain significance for Nephronophthisis. Last evaluated: 2022-01-08. Review status: criteria provided, single submitter. Criteria: Invitae Variant Classification Sherloc (09022015). Collection method: clinical testing. Allele origin: germline.
Comment: This sequence change replaces alanine, which is neutral and non-polar, with threonine, which is neutral and polar, at codon 100 of the IQCB1 protein (p.Ala100Thr). This variant is present in population databases (rs777306612, gnomAD 0.003%). This variant has not been reported in the literature in individuals affected with IQCB1-related conditions. Algorithms developed to predict the effect of missense changes on protein structure and function are either unavailable or do not agree on the potential impact of this missense change (SIFT: "Deleterious"; PolyPhen-2: "Benign"; Align-GVGD: "Class C0"). In summary, the available evidence is currently insufficient to determine the role of this variant in disease. Therefore, it has been classified as a Variant of Uncertain Significance.

NM_001023570.4(IQCB1):c.298G>A (p.Ala100Thr)

Gene: IQCB1 (IQ motif containing B1; minus strand). Cytogenetic location: 3q13.33.
Variant type: single nucleotide variant.
Coding change: c.298G>A on transcript NM_001023570.4 (MANE Select); coding-DNA position 298, G replaced by A.
Protein change: p.Ala100Thr; replaces alanine 100 with threonine.
Molecular consequence: missense variant. On other transcripts: non-coding transcript variant (1).
Genome position (GRCh38, 1-based): chr3:121,826,146, C>T on the plus strand (G>A on the coding strand, the complement: IQCB1 is on the minus strand). VCF-style: chr3-121826146-C-T. GRCh37 (hg19) VCF-style: chr3-121544993-C-T.
Other names: c.298G>A, p.Ala100Thr (NM_001023571.4, NM_001319107.2); short protein forms A100T.
Identifiers: ClinVar variation 1966378 (VCV001966378.5), dbSNP rs777306612, ClinGen allele CA2567467.